The following is an entry in ClinVar:

ClinVar aggregate classification (germline): Uncertain significance (1 of 4 stars; one submission).

Conditions:
Catecholaminergic polymorphic ventricular tachycardia 1. Also called: VENTRICULAR TACHYCARDIA, CATECHOLAMINERGIC POLYMORPHIC, 1, WITH OR WITHOUT ATRIAL DYSFUNCTION AND/OR DILATED CARDIOMYOPATHY; RYR2-Related Catecholaminergic Polymorphic Ventricular Tachycardia; VENTRICULAR TACHYCARDIA, STRESS-INDUCED POLYMORPHIC 1. Identifiers: Orphanet 3286, MedGen C1631597, MONDO:0011484, OMIM 604772.

Submission:

Labcorp Genetics (formerly Invitae), Labcorp
Classification: Uncertain significance for Catecholaminergic polymorphic ventricular tachycardia 1. Last evaluated: 2024-06-06. Review status: criteria provided, single submitter. Criteria: Invitae Variant Classification Sherloc (09022015). Collection method: clinical testing. Allele origin: germline.
Comment: This sequence change replaces histidine, which is basic and polar, with glutamine, which is neutral and polar, at codon 365 of the RYR2 protein (p.His365Gln). This variant is not present in population databases (gnomAD no frequency). This variant has not been reported in the literature in individuals affected with RYR2-related conditions. ClinVar contains an entry for this variant (Variation ID: 1503673). Advanced modeling of protein sequence and biophysical properties (such as structural, functional, and spatial information, amino acid conservation, physicochemical variation, residue mobility, and thermodynamic stability) performed at Invitae indicates that this missense variant is expected to disrupt RYR2 protein function with a positive predictive value of 95%. In summary, the available evidence is currently insufficient to determine the role of this variant in disease. Therefore, it has been classified as a Variant of Uncertain Significance.

NM_001035.3(RYR2):c.1095T>A (p.His365Gln)

Gene: RYR2 (ryanodine receptor 2; plus strand). Cytogenetic location: 1q43.
Variant type: single nucleotide variant.
Coding change: c.1095T>A on transcript NM_001035.3 (MANE Select); coding-DNA position 1095, T replaced by A.
Protein change: p.His365Gln; replaces histidine 365 with glutamine.
Molecular consequence: missense variant.
Genome position (GRCh38, 1-based): chr1:237,441,408, T>A. VCF-style: chr1-237441408-T-A. GRCh37 (hg19) VCF-style: chr1-237604708-T-A.
Other names: short protein forms H365Q.
Identifiers: ClinVar variation 1503673 (VCV001503673.7), dbSNP rs1707886367, ClinGen allele CA345376313.
Genomic context (GRCh38, chr1:237,441,408, plus strand): 5'-AGTAGATGGCATGGGAACATCTGAAATAAAATACGGTGACTCAGTATGCTATATACAACA[T>A]GTAGACACAGGCCTATGGCTTACTTACCAGTCTGTGGACGTGAAATCCGTGAGAATGGGA-3'
Protein context (NP_001026.2, residues 355-375): KYGDSVCYIQ[His365Gln]VDTGLWLTYQ